The following is an entry in ClinVar:

ClinVar aggregate classification (germline): Likely benign. Review status: criteria provided, multiple submitters, no conflicts (2 of 4 stars). 3 submissions from 3 submitters: Likely benign (2). 1 of the submissions does not count toward it. Last evaluated 2025-07-31.

Conditions:
IL2RG-related disorder. Also called: IL2RG-related condition.
Inborn genetic diseases. Identifiers: MedGen C0950123, MeSH D030342.
X-linked severe combined immunodeficiency (SCIDX1). Also called: X-Linked Combined Immunodeficiency Diseases; IMMUNODEFICIENCY 4; SCID, X-LINKED; SEVERE COMBINED IMMUNODEFICIENCY, X-LINKED, T CELL-NEGATIVE, B CELL-POSITIVE, NK CELL-NEGATIVE; T-B+ severe combined immunodeficiency due to gamma chain deficiency. Identifiers: Orphanet 276, MedGen C6022468, MONDO:0010315, OMIM 300400. Disease mechanism: loss of function.

Allele frequency attached by ClinVar (database versions not stated): gnomAD exomes 0.00001 and below 0.00001; ExAC 0.00001; gnomAD 0.00001.

Submissions (3):

Ambry Genetics
Classification: Likely benign for Inborn genetic diseases. Last evaluated: 2025-07-31. Review status: criteria provided, single submitter. Criteria: Ambry Variant Classification Scheme 2023. Collection method: clinical testing. Allele origin: germline.

Labcorp Genetics (formerly Invitae), Labcorp
Classification: Likely benign for X-linked severe combined immunodeficiency. Last evaluated: 2023-12-10. Review status: criteria provided, single submitter. Criteria: Invitae Variant Classification Sherloc (09022015). Collection method: clinical testing. Allele origin: germline.

PreventionGenetics, part of Exact Sciences
Classification: Uncertain significance for IL2RG-related condition. Last evaluated: 2023-12-04. Review status: no assertion criteria provided. Collection method: clinical testing. Allele origin: germline. Not counted in ClinVar's aggregate classification.
Comment: The IL2RG c.434T>A variant is predicted to result in the amino acid substitution p.Met145Lys. To our knowledge, this variant has not been reported in the literature. This variant is reported in 0.0024% of alleles in individuals of European (Non-Finnish) descent in gnomAD, including in one hemizygous individual. While this variant may be benign, at this time, the clinical significance of this variant is uncertain due to the absence of conclusive functional and genetic evidence.

NM_000206.3(IL2RG):c.434T>A (p.Met145Lys)

Gene: IL2RG (interleukin 2 receptor subunit gamma; minus strand). Cytogenetic location: Xq13.1.
Variant type: single nucleotide variant.
Coding change: c.434T>A on transcript NM_000206.3 (MANE Select); coding-DNA position 434, T replaced by A.
Protein change: p.Met145Lys; replaces methionine 145 with lysine.
Molecular consequence: missense variant.
Genome position (GRCh38, 1-based): chrX:71,110,524, A>T on the plus strand (T>A on the coding strand, the complement: IL2RG is on the minus strand). VCF-style: chrX-71110524-A-T. GRCh37 (hg19) VCF-style: chrX-70330374-A-T.
Other names: c.434T>A (NM_000206.2); short protein forms M145K.
Identifiers: ClinVar variation 1084545 (VCV001084545.12), dbSNP rs751970923, ClinGen allele CA10443880.